The following is an entry in ClinVar:

ClinVar aggregate classification (germline): Likely pathogenic (1 of 4 stars; one submission).
ClinVar aggregate classification (oncogenicity): Likely oncogenic (1 of 4 stars; one submission).

Conditions:
Choanal atresia-athelia-hypothyroidism-delayed puberty-short stature syndrome (BCAHH). Also called: BRANCHIAL ARCH ABNORMALITIES, CHOANAL ATRESIA, ATHELIA, HEARING LOSS, AND HYPOTHYROIDISM SYNDROME. Identifiers: Orphanet 589856, MedGen C5680310, MONDO:0035651, OMIM 620186.
Neoplasm. Also called: tumor; Neoplasms; Neoplasm (disease). Identifiers: MedGen C0027651, MeSH D009369, MONDO:0005070, HP:0002664.

Submissions (2):

Center for Genomic Medicine, Rigshospitalet, Copenhagen University Hospital
Classification: Likely oncogenic for Neoplasm. Last evaluated: 2025-03-04. Review status: criteria provided, single submitter. Criteria: ClinGen/CGC/VICC Guidelines for Oncogenicity, 2022. Collection method: clinical testing. Allele origin: somatic. Affected: yes.

Pittsburgh Clinical Genomics Laboratory, University of Pittsburgh Medical Center
Classification: Likely pathogenic for Choanal atresia-athelia-hypothyroidism-delayed puberty-short stature syndrome. Last evaluated: 2023-11-21. Review status: criteria provided, single submitter. Criteria: ACMG Guidelines, 2015. Collection method: clinical testing. Allele origin: germline. Inheritance: Autosomal dominant inheritance. Affected: yes.
Comment: This sequence variant is a single nucleotide substitution (C>T) at coding position 1621 of the KMT2D gene that changes Gln5407 to an early termination codon. As it occurs in exon 52 of 55, this variant is predicted to generate a non-functional allele through either the expression of a truncated protein or a loss of KMT2D-encoded lysine methyltransferase 2D expression due to nonsense-mediated decay. This variant is absent from ClinVar that has not been observed in individuals affected by KMT2D-related disorders, to our knowledge. This variant is absent from the gnomAD population database (0/833110 alleles). Haploinsufficiency in KMT2D is a known mechanism of disease. Studies examining the functional consequence of this variant have not been published, to our knowledge. Based upon the evidence, we consider this variant to be likely pathogenic. ACMG Criteria: PM2, PVS1

NM_003482.4(KMT2D):c.16219C>T (p.Gln5407Ter)

Gene: KMT2D (lysine methyltransferase 2D; minus strand). Cytogenetic location: 12q13.12.
Variant type: single nucleotide variant.
Coding change: c.16219C>T on transcript NM_003482.4 (MANE Select); coding-DNA position 16219, C replaced by T.
Protein change: p.Gln5407Ter; replaces glutamine 5407 with a stop codon.
Molecular consequence: nonsense.
Genome position (GRCh38, 1-based): chr12:49,022,709, G>A on the plus strand (C>T on the coding strand, the complement: KMT2D is on the minus strand). VCF-style: chr12-49022709-G-A. GRCh37 (hg19) VCF-style: chr12-49416492-G-A.
Other names: short protein forms Q5407*.
Identifiers: ClinVar variation 3257960 (VCV003257960.3).